The following is an entry in ClinVar:

ClinVar aggregate classification (germline): Uncertain significance. Review status: criteria provided, multiple submitters, no conflicts (2 of 4 stars). 2 submissions from 2 submitters: Uncertain significance (2). Last evaluated 2022-12-05.

Conditions:
Hereditary cancer-predisposing syndrome. Also called: Hereditary neoplastic syndrome; Tumor predisposition; Neoplastic Syndromes, Hereditary; Hereditary Cancer Syndrome. Identifiers: Orphanet 140162, MedGen C0027672, MeSH D009386, MONDO:0015356.
Carney complex, type 1 (CNC1). Also called: CARNEY COMPLEX, TYPE I; CARNEY MYXOMA-ENDOCRINE COMPLEX. Identifiers: Orphanet 1359, MedGen C2607929, MONDO:0008057, OMIM 160980.

Submissions (2):

Ambry Genetics
Classification: Uncertain significance for Hereditary cancer-predisposing syndrome. Last evaluated: 2022-12-05. Review status: criteria provided, single submitter. Criteria: Ambry Variant Classification Scheme 2023. Collection method: clinical testing. Allele origin: germline.
Comment: The p.V284M variant (also known as c.850G>A), located in coding exon 8 of the PRKAR1A gene, results from a G to A substitution at nucleotide position 850. The valine at codon 284 is replaced by methionine, an amino acid with highly similar properties. This amino acid position is conserved. In addition, the in silico prediction for this alteration is inconclusive. Since supporting evidence is limited at this time, the clinical significance of this alteration remains unclear.

Labcorp Genetics (formerly Invitae), Labcorp
Classification: Uncertain significance for Carney complex, type 1. Last evaluated: 2018-10-18. Review status: criteria provided, single submitter. Criteria: Invitae Variant Classification Sherloc (09022015). Collection method: clinical testing. Allele origin: germline.
Comment: In summary, the available evidence is currently insufficient to determine the role of this variant in disease. Therefore, it has been classified as a Variant of Uncertain Significance. This sequence change replaces valine with methionine at codon 284 of the PRKAR1A protein (p.Val284Met). The valine residue is moderately conserved and there is a small physicochemical difference between valine and methionine. This variant is not present in population databases (ExAC no frequency). Algorithms developed to predict the effect of missense changes on protein structure and function are either unavailable or do not agree on the potential impact of this missense change (SIFT: "Tolerated"; PolyPhen-2: "Possibly Damaging"; Align-GVGD: "Class C0"). This variant has not been reported in the literature in individuals with PRKAR1A-related disease.

NM_002734.5(PRKAR1A):c.850G>A (p.Val284Met)

Gene: PRKAR1A (protein kinase cAMP-dependent type I regulatory subunit alpha; plus strand). Cytogenetic location: 17q24.2.
Variant type: single nucleotide variant.
Coding change: c.850G>A on transcript NM_002734.5 (MANE Select); coding-DNA position 850, G replaced by A.
Protein change: p.Val284Met; replaces valine 284 with methionine.
Molecular consequence: missense variant.
Genome position (GRCh38, 1-based): chr17:68,528,950, G>A. VCF-style: chr17-68528950-G-A. GRCh37 (hg19) VCF-style: chr17-66525091-G-A.
Other names: c.850G>A (NM_002734.3); c.850G>A, p.Val284Met (NM_001276289.2, NM_001276290.1, NM_001278433.2 and 4 more transcripts); short protein forms V284M.
Identifiers: ClinVar variation 657108 (VCV000657108.10), dbSNP rs1264572252, ClinGen allele CA400753961.
Genomic context (GRCh38, chr17:68,528,950, plus strand): 5'-CGTCTTACGGTAGCTGATGCATTGGAACCAGTGCAGTTTGAAGATGGGCAGAAGATTGTG[G>A]TGCAGGGAGAACCAGGGGATGAGTTCTTCATTATTTTAGAGGTAAAGAACTCAGAATTTA-3'
Protein context (NP_002725.1, residues 274-294): VQFEDGQKIV[Val284Met]QGEPGDEFFI